The following is an entry in ClinVar:

ClinVar aggregate classification (germline): Pathogenic (1 of 4 stars; one submission).

Conditions:
Werner syndrome (WRN). Identifiers: Orphanet 902, MedGen C0043119, MONDO:0010196, OMIM 277700.

Allele frequency attached by ClinVar (database versions not stated): TOPMed below 0.00001; gnomAD 0.00001.
gnomAD v4.1: 1 of 1,613,720 alleles (0.000062%); highest among the groups gnomAD compares: Non-Finnish European, 0.000085%; no homozygotes.

Submission:

Labcorp Genetics (formerly Invitae), Labcorp
Classification: Pathogenic for Werner syndrome. Last evaluated: 2022-01-23. Review status: criteria provided, single submitter. Criteria: Invitae Variant Classification Sherloc (09022015). Collection method: clinical testing. Allele origin: germline.
Comment: This sequence change creates a premature translational stop signal (p.Gln332*) in the WRN gene. It is expected to result in an absent or disrupted protein product. Loss-of-function variants in WRN are known to be pathogenic (PMID: 16673358). This variant is not present in population databases (gnomAD no frequency). This variant has not been reported in the literature in individuals affected with WRN-related conditions. For these reasons, this variant has been classified as Pathogenic.

Literature cited by the submitters: PubMed 16673358.

NM_000553.6(WRN):c.994C>T (p.Gln332Ter)

Gene: WRN (WRN RecQ like helicase; plus strand). Cytogenetic location: 8p12.
Variant type: single nucleotide variant.
Coding change: c.994C>T on transcript NM_000553.6 (MANE Select); coding-DNA position 994, C replaced by T.
Protein change: p.Gln332Ter; replaces glutamine 332 with a stop codon.
Molecular consequence: nonsense.
Genome position (GRCh38, 1-based): chr8:31,081,021, C>T. VCF-style: chr8-31081021-C-T. GRCh37 (hg19) VCF-style: chr8-30938537-C-T.
Other names: short protein forms Q332*.
Identifiers: ClinVar variation 2182787 (VCV002182787.4), dbSNP rs1374026497, ClinGen allele CA370920162.